The following is an entry in ClinVar:

ClinVar aggregate classification (germline): Uncertain significance. Review status: criteria provided, multiple submitters, no conflicts (2 of 4 stars). 7 submissions from 7 submitters: Uncertain significance (7). Last evaluated 2026-05-01.

Conditions:
Autosomal dominant familial hematuria-retinal arteriolar tortuosity-contractures syndrome. Also called: Hereditary Angiopathy with Nephropathy, Aneurysms, and Muscle Cramps (HANAC) Syndrome; Angiopathy, hereditary, with nephropathy, aneurysms, and muscle cramps. Identifiers: Orphanet 73229, MedGen C2673195, MONDO:0012726, OMIM 611773.
Hemorrhage, intracerebral, susceptibility to (ICH). Also called: Stroke, hemorrhagic, susceptibility to. Identifiers: MedGen C3281105, MONDO:0100533, OMIM 614519.
Microangiopathy and leukoencephalopathy, pontine, autosomal dominant. Also called: DEMENTIA, HEREDITARY MULTI-INFARCT, SWEDISH TYPE; Pontine autosomal dominant microangiopathy with leukoencephalopathy. Identifiers: Orphanet 477749, MedGen C5231411, MONDO:0032814, OMIM 618564.
Brain small vessel disease 1 with or without ocular anomalies (BSVD1). Also called: Brain small vessel disease with or without ocular anomalies; PORENCEPHALY, TYPE 1, AUTOSOMAL DOMINANT; BRAIN SMALL VESSEL DISEASE WITH HEMORRHAGE; GOULD SYNDROME 1. Identifiers: Orphanet 2940, Orphanet 36383, Orphanet 99810, MedGen C4755307, MONDO:0008289, OMIM 175780.
Retinal arterial tortuosity. Also called: RETINAL HEMORRHAGE WITH VASCULAR TORTUOSITY; Retinal arteries, tortuosity of. Identifiers: Orphanet 75326, MedGen C0423401, MONDO:0008373, OMIM 180000, HP:0000631.

Allele frequency attached by ClinVar (database versions not stated): gnomAD 0.00002; TOPMed 0.00002; ExAC 0.00003.
gnomAD v4.1: 57 of 1,613,884 alleles (0.0035%); highest among the groups gnomAD compares: Non-Finnish European, 0.0045%; no homozygotes.

Submissions (7):

CeGaT Center for Human Genetics Tuebingen
Classification: Uncertain significance. Last evaluated: 2026-05-01. Review status: criteria provided, single submitter. Criteria: CeGaT Center For Human Genetics Tuebingen Variant Classification Criteria Version 2. Collection method: clinical testing. Allele origin: germline. Affected: yes. Observed: 1 variant allele.

Women's Health and Genetics/Laboratory Corporation of America, LabCorp
Classification: Uncertain significance. Last evaluated: 2025-11-11. Review status: criteria provided, single submitter. Criteria: LabCorp Variant Classification Summary - May 2015. Collection method: clinical testing. Allele origin: germline.
Comment: Variant summary: COL4A1 c.4970C>T (p.Thr1657Met) results in a non-conservative amino acid change located in the Collagen IV, non-collagenous (IPR001442) of the encoded protein sequence. Algorithms developed to predict the effect of missense changes on protein structure and function all suggest that this variant is likely to be disruptive. The variant allele was found at a frequency of 3.2e-05 in 250574 control chromosomes. The available data on variant occurrences in the general population are insufficient to allow any conclusion about variant significance. c.4970C>T has been observed in individuals affected with Small Vessel disease and Stroke (Hartberger_2022, Tan_2019). These reports do not provide unequivocal conclusions about association of the variant with Porencephaly 1. To our knowledge, no experimental evidence demonstrating an impact on protein function has been reported. The following publications have been ascertained in the context of this evaluation (PMID: 31719132, 36411388). ClinVar contains an entry for this variant (Variation ID: 1316354). Based on the evidence outlined above, the variant was classified as uncertain significance.

Labcorp Genetics (formerly Invitae), Labcorp
Classification: Uncertain significance. Last evaluated: 2025-10-22. Review status: criteria provided, single submitter. Criteria: Invitae Variant Classification Sherloc (09022015). Collection method: clinical testing. Allele origin: germline.
Comment: This sequence change replaces threonine, which is neutral and polar, with methionine, which is neutral and non-polar, at codon 1657 of the COL4A1 protein (p.Thr1657Met). This variant is present in population databases (rs779139113, gnomAD 0.004%). This missense change has been observed in individual(s) with clinical features of COL4A1-related conditions (PMID: 31719132, 36411388). ClinVar contains an entry for this variant (Variation ID: 1316354). Invitae Evidence Modeling of protein sequence and biophysical properties (such as structural, functional, and spatial information, amino acid conservation, physicochemical variation, residue mobility, and thermodynamic stability) has been performed for this missense variant. However, the output from this modeling did not meet the statistical confidence thresholds required to predict the impact of this variant on COL4A1 protein function. In summary, the available evidence is currently insufficient to determine the role of this variant in disease. Therefore, it has been classified as a Variant of Uncertain Significance.

Revvity Omics, Revvity
Classification: Uncertain significance. Last evaluated: 2025-01-23. Review status: criteria provided, single submitter. Criteria: ACMG Guidelines, 2015. Collection method: clinical testing. Allele origin: germline.

Blueprint Genetics
Classification: Uncertain significance. Last evaluated: 2024-01-26. Review status: criteria provided, single submitter. Criteria: ACMG Guidelines, 2015. Collection method: clinical testing. Allele origin: germline.

Fulgent Genetics
Classification: Uncertain significance for Brain small vessel disease 1 with or without ocular anomalies; Retinal arterial tortuosity; Autosomal dominant familial hematuria-retinal arteriolar tortuosity-contractures syndrome; Hemorrhage, intracerebral, susceptibility to; Microangiopathy and leukoencephalopathy, pontine, autosomal dominant. Last evaluated: 2024-01-03. Review status: criteria provided, single submitter. Criteria: ACMG Guidelines, 2015. Collection method: clinical testing. Allele origin: germline.

GeneDx
Classification: Uncertain significance. Last evaluated: 2023-05-01. Review status: criteria provided, single submitter. Criteria: GeneDx Variant Classification Process June 2021. Collection method: clinical testing. Allele origin: germline. Affected: yes.
Comment: Identified in patients with small vessel disease and ischemic stroke in the published literature (Tan et al., 2019; Hrtl et al., 2022); In silico analysis supports that this missense variant has a deleterious effect on protein structure/function; This variant is associated with the following publications: (PMID: 36411388, 31719132)

Literature cited by the submitters: PubMed 31719132 (cited by Women's Health and Genetics/Laboratory Corporation of America, LabCorp and Labcorp Genetics (formerly Invitae), Labcorp); PubMed 36411388 (cited by Women's Health and Genetics/Laboratory Corporation of America, LabCorp and Labcorp Genetics (formerly Invitae), Labcorp).

NM_001845.6(COL4A1):c.4970C>T (p.Thr1657Met)

Gene: COL4A1 (collagen type IV alpha 1 chain; minus strand). Cytogenetic location: 13q34.
Variant type: single nucleotide variant.
Coding change: c.4970C>T on transcript NM_001845.6 (MANE Select); coding-DNA position 4970, C replaced by T.
Protein change: p.Thr1657Met; replaces threonine 1657 with methionine.
Molecular consequence: missense variant.
Genome position (GRCh38, 1-based): chr13:110,150,403, G>A on the plus strand (C>T on the coding strand, the complement: COL4A1 is on the minus strand). VCF-style: chr13-110150403-G-A. GRCh37 (hg19) VCF-style: chr13-110802750-G-A.
Other names: c.4970C>T (NM_001845.5); short protein forms T1657M.
Identifiers: ClinVar variation 1316354 (VCV001316354.17), dbSNP rs779139113, ClinGen allele CA7046741.
Genomic context (GRCh38, chr13:110,150,403, plus strand): 5'-ATTAGCTGAGTCAGGCTTCATTATGTTCTTCTCATACAGACTTGGCAGCGGCTGACGTGC[G>A]TGCGCAGCTCCCCTGCCTTCAAGGTGGACGGCGTAGGCTTCCTAAAACACGACACAGAGA-3'
Protein context (NP_001836.3, residues 1647-1667): PSTLKAGELR[Thr1657Met]HVSRCQVCMR